The following is an entry in ClinVar:

NM_003072.5(SMARCA4):c.2300C>A (p.Ser767Tyr)

Gene: SMARCA4 (SWI/SNF related BAF chromatin remodeling complex subunit ATPase 4; plus strand). Cytogenetic location: 19p13.2.
Variant type: single nucleotide variant.
Coding change: c.2300C>A on transcript NM_003072.5 (MANE Select); coding-DNA position 2300, C replaced by A.
Protein change: p.Ser767Tyr; replaces serine 767 with tyrosine.
Molecular consequence: missense variant. On other transcripts: non-coding transcript variant (1).
Genome position (GRCh38, 1-based): chr19:11,012,974, C>A. VCF-style: chr19-11012974-C-A. GRCh37 (hg19) VCF-style: chr19-11123650-C-A.
Other names: c.2300C>A, p.Ser767Tyr (NM_001128844.3, NM_001128845.2, NM_001128846.2 and 6 more transcripts); short protein forms S767Y.
Identifiers: ClinVar variation 2631211 (VCV002631211.1), dbSNP rs140016398, ClinGen allele CA404053056.

ClinVar aggregate classification (germline): Uncertain significance (1 of 4 stars; one submission).

Conditions:
SMARCA4-related disorder. Also called: SMARCA4-related condition.

Submission:

PreventionGenetics, part of Exact Sciences
Classification: Uncertain significance for SMARCA4-related condition. Last evaluated: 2023-08-08. Review status: criteria provided, single submitter. Criteria: ACMG Guidelines, 2015. Collection method: clinical testing. Allele origin: germline.
Comment: The SMARCA4 c.2300C>A variant is predicted to result in the amino acid substitution p.Ser767Tyr. To our knowledge, this variant has not been reported in the literature or in a large population database, indicating this variant is rare. At this time, the clinical significance of this variant is uncertain due to the absence of conclusive functional and genetic evidence.